The following is an entry in ClinVar:

ClinVar aggregate classification (germline): Uncertain significance. Review status: criteria provided, multiple submitters, no conflicts (2 of 4 stars). 3 submissions from 3 submitters: Uncertain significance (3). Last evaluated 2023-12-18.

Conditions:
Primary ciliary dyskinesia. Also called: Ciliary dyskinesia. Identifiers: Orphanet 244, MedGen C0008780, MONDO:0016575, HP:0012265.

Allele frequency attached by ClinVar (database versions not stated): gnomAD exomes 0.00001; TOPMed 0.00002; gnomAD 0.00003.
gnomAD v4.1: 7 of 1,613,758 alleles (0.00043%); highest among the groups gnomAD compares: Middle Eastern, 0.016%; no homozygotes.

Submissions (3):

Ambry Genetics
Classification: Uncertain significance. Last evaluated: 2023-12-18. Review status: criteria provided, single submitter. Criteria: Ambry Variant Classification Scheme 2023. Collection method: clinical testing. Allele origin: germline.

Mayo Clinic Laboratories, Mayo Clinic
Classification: Uncertain significance. Last evaluated: 2023-06-21. Review status: criteria provided, single submitter. Criteria: ACMG Guidelines, 2015. Collection method: clinical testing. Allele origin: germline. Observed: 1 variant allele.
Comment: PP3, PM2_supporting

Labcorp Genetics (formerly Invitae), Labcorp
Classification: Uncertain significance for Primary ciliary dyskinesia. Last evaluated: 2022-05-26. Review status: criteria provided, single submitter. Criteria: Invitae Variant Classification Sherloc (09022015). Collection method: clinical testing. Allele origin: germline.
Comment: This variant is present in population databases (no rsID available, gnomAD 0.01%). This sequence change replaces asparagine, which is neutral and polar, with tyrosine, which is neutral and polar, at codon 3483 of the DNAH8 protein (p.Asn3483Tyr). This variant has not been reported in the literature in individuals affected with DNAH8-related conditions. In summary, the available evidence is currently insufficient to determine the role of this variant in disease. Therefore, it has been classified as a Variant of Uncertain Significance. Algorithms developed to predict the effect of sequence changes on RNA splicing suggest that this variant may create or strengthen a splice site. Algorithms developed to predict the effect of missense changes on protein structure and function are either unavailable or do not agree on the potential impact of this missense change (SIFT: "Deleterious"; PolyPhen-2: "Not Available"; Align-GVGD: "Class C65").

NM_001206927.2(DNAH8):c.10447A>T (p.Asn3483Tyr)

Genes: DNAH8 (dynein axonemal heavy chain 8; plus strand), DNAH8-AS1 (DNAH8 antisense RNA 1; minus strand). Cytogenetic location: 6p21.2.
Variant type: single nucleotide variant.
Coding change: c.10447A>T on transcript NM_001206927.2 (MANE Select); coding-DNA position 10447, A replaced by T.
Protein change: p.Asn3483Tyr; replaces asparagine 3483 with tyrosine.
Molecular consequence: missense variant.
Genome position (GRCh38, 1-based): chr6:38,918,063, A>T. VCF-style: chr6-38918063-A-T. GRCh37 (hg19) VCF-style: chr6-38885839-A-T.
Other names: p.Asn3483Tyr; c.10447A>T (NM_001206927.1); c.9796A>T, p.Asn3266Tyr (NM_001371.4); short protein forms N3266Y, N3483Y.
Identifiers: ClinVar variation 2144595 (VCV002144595.6), dbSNP rs1023777490, ClinGen allele CA137579920.
Genomic context (GRCh38, chr6:38,918,063, plus strand): 5'-CTACAGCCATATTTTAATATGGATGATTATACTTTTGAAAGTGCCAAAAAAGTCTGTGGG[A>T]ATGTGGCTGGTCTCCTGTCTTGGACACTTGCTATGGCAATATTTTATGGCATCAATAGAG-3'
Protein context (NP_001193856.1, residues 3473-3493): TFESAKKVCG[Asn3483Tyr]VAGLLSWTLA